The following is an entry in ClinVar:

ClinVar aggregate classification (germline): Pathogenic/Likely pathogenic. Review status: criteria provided, multiple submitters, no conflicts (2 of 4 stars). 11 submissions from 11 submitters: Pathogenic (7); Likely pathogenic (2). 2 of the submissions do not count toward it. Last evaluated 2025-12-29.

Conditions:
Retinal dystrophy. Also called: Inherited retinal dystrophy. Identifiers: Orphanet 71862, MedGen C0854723, MeSH D058499, MONDO:0019118, HP:0000556.
Retinitis pigmentosa (RP). Identifiers: Orphanet 791, MedGen C0035334, MeSH D012174, MONDO:0019200, OMIM 268000. Inheritance: Autosomal dominant, autosomal recessive and X linked inheritance.
EYS-related disorder. Also called: EYS-related condition.
Retinitis pigmentosa 25 (RP25). Identifiers: Orphanet 791, MedGen C1864446, MONDO:0011272, OMIM 602772.

Allele frequency attached by ClinVar (database versions not stated): gnomAD exomes 0.00001 and 0.00005; TOPMed 0.00001; gnomAD 0.00003.

Submissions (11):

Labcorp Genetics (formerly Invitae), Labcorp
Classification: Pathogenic. Last evaluated: 2025-12-29. Review status: criteria provided, single submitter. Criteria: Invitae Variant Classification Sherloc (09022015). Collection method: clinical testing. Allele origin: germline.
Comment: This sequence change creates a premature translational stop signal (p.Thr3106Lysfs*13) in the EYS gene. While this is not anticipated to result in nonsense mediated decay, it is expected to disrupt the last 39 amino acid(s) of the EYS protein. The frequency data for this variant in the population databases is considered unreliable, as metrics indicate poor data quality at this position in the gnomAD database. This premature translational stop signal has been observed in individual(s) with an EYS-related condition (PMID: 29550188). ClinVar contains an entry for this variant (Variation ID: 557700). Experimental studies and prediction algorithms are not available or were not evaluated, and the functional significance of this variant is currently unknown. This variant disrupts a region of the EYS protein in which other variant(s) (p.Val3096Leufs*28) have been determined to be pathogenic (PMID: 18976725, 20333770, 24474277, 25356976, 26261414, 29550188). This suggests that this is a clinically significant region of the protein, and that variants that disrupt it are likely to be disease-causing. For these reasons, this variant has been classified as Pathogenic.

Natera, Inc.
Classification: Likely pathogenic for Retinitis pigmentosa type 25. Last evaluated: 2025-06-30. Review status: criteria provided, single submitter. Criteria: Natera Variant Classification Schema (03/2026). Collection method: clinical testing. Allele origin: germline.
Comment: The c.9317_9336delCCAATTTTGTTGGCAAAATT variant in EYS is a frameshift variant predicted to shift the reading frame beginning at codon 3106 and leads to a stop codon 13 codons downstream. This variant is expected to result in nonsense mediated decay, truncation, or a dysfunctional protein product. This variant is rare in the general population with a frequency below the threshold expected for the associated phenotype(s). This variant has been observed in one or more individuals affected with the associated recessive disease, as either homozygous or compound heterozygous with a second variant (PMID: 32098976, 30718709, 29550188). Given the available evidence, this variant is classified as Likely Pathogenic.

PreventionGenetics, part of Exact Sciences
Classification: Pathogenic for EYS-related condition. Last evaluated: 2025-06-02. Review status: criteria provided, single submitter. Criteria: ACMG Guidelines, 2015. Collection method: clinical testing. Allele origin: germline.
Comment: The EYS c.9317_9336del20 variant is predicted to result in a frameshift and premature protein termination (p.Thr3106Lysfs*13). This variant has been reported in an individual with retinitis pigmentosa (Table S4, Jespersgaard et al. 2019. PubMed ID: 30718709). This variant is present in 0.0040% of alleles in individuals of European (Non-Finnish) descent in gnomAD. Frameshift variants in EYS are an established mechanism of disease. This variant is interpreted as pathogenic.

Blueprint Genetics
Classification: Pathogenic for EYS-related disorders. Last evaluated: 2024-10-24. Review status: criteria provided, single submitter. Criteria: ACMG Guidelines, 2015. Collection method: clinical testing. Allele origin: germline. Affected: yes. Observed: 5 variant alleles.

Fulgent Genetics
Classification: Likely pathogenic for Retinitis pigmentosa 25. Last evaluated: 2024-04-08. Review status: criteria provided, single submitter. Criteria: ACMG Guidelines, 2015. Collection method: clinical testing. Allele origin: germline.

Baylor Genetics
Classification: Pathogenic for Retinitis pigmentosa 25. Last evaluated: 2024-02-25. Review status: criteria provided, single submitter. Criteria: ACMG Guidelines, 2015. Collection method: clinical testing. Allele origin: unknown.

Department of Pathology and Laboratory Medicine, Sinai Health System
Classification: Pathogenic for Retinitis pigmentosa 25. Last evaluated: 2022-09-15. Review status: criteria provided, single submitter. Criteria: ACMG Guidelines, 2015. Collection method: research. Allele origin: germline.

Mendelics
Classification: Pathogenic for Retinitis pigmentosa 25. Last evaluated: 2022-05-04. Review status: criteria provided, single submitter. Criteria: Mendelics Assertion Criteria 2019. Collection method: clinical testing. Allele origin: germline.

Institute of Human Genetics, Univ. Regensburg, Univ. Regensburg
Classification: Pathogenic for Retinal dystrophy. Last evaluated: 2021-01-01. Review status: criteria provided, single submitter. Criteria: ACMG Guidelines, 2015. Collection method: clinical testing. Allele origin: germline. Affected: yes.

Counsyl
Classification: Likely pathogenic for Retinitis pigmentosa 25. Last evaluated: 2018-04-12. Review status: no assertion criteria provided. Collection method: clinical testing. Allele origin: unknown. Not counted in ClinVar's aggregate classification.

Department of Clinical Genetics, Copenhagen University Hospital, Rigshospitalet
Classification: Likely pathogenic for Retinitis pigmentosa. Last evaluated: 2018-04-01. Review status: no assertion criteria provided. Collection method: research. Allele origin: unknown. Affected: yes. Study: VeluxRD. Not counted in ClinVar's aggregate classification.

Literature cited by the submitters: PubMed 29550188 (cited by Labcorp Genetics (formerly Invitae), Labcorp and Natera, Inc.); PubMed 18976725 (cited by Labcorp Genetics (formerly Invitae), Labcorp); PubMed 20333770 (cited by Labcorp Genetics (formerly Invitae), Labcorp); PubMed 24474277 (cited by Labcorp Genetics (formerly Invitae), Labcorp); PubMed 25356976 (cited by Labcorp Genetics (formerly Invitae), Labcorp); PubMed 26261414 (cited by Labcorp Genetics (formerly Invitae), Labcorp); PubMed 32098976 (cited by Natera, Inc.); PubMed 30718709 (cited by 3 submitters); PubMed 3442652 (cited by Institute of Human Genetics, Univ. Regensburg, Univ. Regensburg).

NM_001142800.2(EYS):c.9317_9336del (p.Thr3106fs)

Genes: EYS (EGF-like photoreceptor maintenance factor; minus strand), PHF3 (PHD finger protein 3; plus strand). Cytogenetic location: 6q12.
Variant type: Deletion.
Coding change: c.9317_9336del on transcript NM_001142800.2 (MANE Select); coding-DNA positions 9317 to 9336, 20 bases deleted (CCAATTTTGTTGGCAAAATT).
Protein change: p.Thr3106fs; shifts the reading frame from threonine 3106.
Molecular consequence: frameshift variant. On other transcripts: 3 prime UTR variant (5).
Genome position (GRCh38, 1-based): chr6:63,720,695-63,720,714, AATTTTGCCAACAAAATTGG deleted on the plus strand (CCAATTTTGTTGGCAAAATT on the coding strand, the reverse complement: EYS is on the minus strand). VCF-style (leftmost placement, unchanged base first): chr6-63720694-TAATTTTGCCAACAAAATTGG-T. GRCh37 (hg19) VCF-style: chr6-64430590-TAATTTTGCCAACAAAATTGG-T.
Other names: c.*6987_*7006del (NM_001290259.2, NM_001370348.2, NM_001370349.2 and 2 more transcripts); c.9380_9399del, p.Thr3127fs (NM_001292009.2); c.9317_9336delCCAATTTTGTTGGCAAAATT (NM_001142800.1); short protein forms T3106fs, T3127fs.
Identifiers: ClinVar variation 557700 (VCV000557700.25), dbSNP rs1326370032, ClinGen allele CA568118939.
Genomic context (GRCh38, chr6:63,720,694, plus strand): 5'-TGTATCCTTCTAATTTAATTAGTTCAATGTTTTTTGGTTCCTGAAAAAATACAACATCTT[TAATTTTGCCAACAAAATTGG>T]TTTTAAAAATCTCTTGAGTAACGATATTTACCTTTCTACCATATTCAAAGCCCCCTAGAT-3'